The following is an entry in ClinVar:

NM_017612.5(ZCCHC8):c.2052G>A (p.Met684Ile)

Gene: ZCCHC8 (zinc finger CCHC-type containing 8; minus strand). Cytogenetic location: 12q24.31.
Variant type: single nucleotide variant.
Coding change: c.2052G>A on transcript NM_017612.5 (MANE Select); coding-DNA position 2052, G replaced by A.
Protein change: p.Met684Ile; replaces methionine 684 with isoleucine.
Molecular consequence: missense variant.
Genome position (GRCh38, 1-based): chr12:122,473,569, C>T on the plus strand (G>A on the coding strand, the complement: ZCCHC8 is on the minus strand). VCF-style: chr12-122473569-C-T. GRCh37 (hg19) VCF-style: chr12-122958116-C-T.
Other names: c.1821G>A, p.Met607Ile (NM_001350935.2); c.1755G>A, p.Met585Ile (NM_001350936.2); c.1338G>A, p.Met446Ile (NM_001350937.2, NM_001350938.2); short protein forms M585I, M607I, M446I, M684I.
Identifiers: ClinVar variation 4772961 (VCV004772961.1).

ClinVar aggregate classification (germline): Uncertain significance (1 of 4 stars; one submission).

gnomAD v4.1: 7 of 1,614,004 alleles (0.00043%); highest among the groups gnomAD compares: Non-Finnish European, 0.00051%; no homozygotes.

Submission:

Labcorp Genetics (formerly Invitae), Labcorp
Classification: Uncertain significance. Last evaluated: 2025-03-01. Review status: criteria provided, single submitter. Criteria: Invitae Variant Classification Sherloc (09022015). Collection method: clinical testing. Allele origin: germline.
Comment: This sequence change replaces methionine, which is neutral and non-polar, with isoleucine, which is neutral and non-polar, at codon 684 of the ZCCHC8 protein (p.Met684Ile). This variant is not present in population databases (gnomAD no frequency). This variant has not been reported in the literature in individuals affected with ZCCHC8-related conditions. Invitae Evidence Modeling of protein sequence and biophysical properties (such as structural, functional, and spatial information, amino acid conservation, physicochemical variation, residue mobility, and thermodynamic stability) indicates that this missense variant is not expected to disrupt ZCCHC8 protein function with a negative predictive value of 80%. In summary, the available evidence is currently insufficient to determine the role of this variant in disease. Therefore, it has been classified as a Variant of Uncertain Significance.